The following is an entry in ClinVar:

NM_001366385.1(CARD14):c.571G>T (p.Val191Leu)

Gene: CARD14 (caspase recruitment domain family member 14; plus strand). Cytogenetic location: 17q25.3.
Variant type: single nucleotide variant.
Coding change: c.571G>T on transcript NM_001366385.1 (MANE Select); coding-DNA position 571, G replaced by T.
Protein change: p.Val191Leu; replaces valine 191 with leucine.
Molecular consequence: missense variant. On other transcripts: non-coding transcript variant (1).
Genome position (GRCh38, 1-based): chr17:80,184,134, G>T. VCF-style: chr17-80184134-G-T. GRCh37 (hg19) VCF-style: chr17-78157933-G-T.
Other names: c.571G>T, p.Val191Leu (NM_024110.4, NM_001257970.1); short protein forms V191L.
Identifiers: ClinVar variation 68784 (VCV000068784.7), dbSNP rs281875218, ClinGen allele CA219918.

ClinVar aggregate classification (germline): Uncertain significance. Review status: criteria provided, single submitter (1 of 4 stars). 2 submissions from 2 submitters: Uncertain significance (1). 1 of the submissions does not count toward it. Last evaluated 2021-08-19.

Conditions:
Pityriasis rubra pilaris (PRP). Also called: Pityriasis rubra pilaris--familial type. Identifiers: Orphanet 2897, MedGen C0032027, MONDO:0100017, OMIM 173200, MONDO:0008251.
Psoriasis 2. Identifiers: MedGen C1864497, MONDO:0011269, OMIM 602723.

Allele frequency attached by ClinVar (database versions not stated): TOPMed below 0.00001; gnomAD 0.00001; gnomAD exomes 0.00001.
gnomAD v4.1: 4 of 1,569,980 alleles (0.00025%); highest among the groups gnomAD compares: Non-Finnish European, 0.00035%; no homozygotes.

Submissions (2):

Labcorp Genetics (formerly Invitae), Labcorp
Classification: Uncertain significance for Pityriasis rubra pilaris; Psoriasis 2. Last evaluated: 2021-08-19. Review status: criteria provided, single submitter. Criteria: Invitae Variant Classification Sherloc (09022015). Collection method: clinical testing. Allele origin: germline.
Comment: This missense change has been observed in individual(s) with psoriasis (PMID: 22521419). This sequence change replaces valine with leucine at codon 191 of the CARD14 protein (p.Val191Leu). The valine residue is highly conserved and there is a small physicochemical difference between valine and leucine. This variant is not present in population databases (ExAC no frequency). ClinVar contains an entry for this variant (Variation ID: 68784). Algorithms developed to predict the effect of missense changes on protein structure and function (SIFT, PolyPhen-2, Align-GVGD) all suggest that this variant is likely to be tolerated. Experimental studies have shown that this missense change does not substantially affect CARD14 function (PMID: 22521419). In summary, the available evidence is currently insufficient to determine the role of this variant in disease. Therefore, it has been classified as a Variant of Uncertain Significance.

UniProtKB/Swiss-Prot
No classification provided. Review status: no classification provided. Collection method: not provided. Allele origin: not provided. Not counted in ClinVar's aggregate classification.

Literature cited by the submitters: PubMed 22521419 (cited by Labcorp Genetics (formerly Invitae), Labcorp).